The following is an entry in ClinVar:

ClinVar aggregate classification (germline): Pathogenic (1 of 4 stars; one submission).

Allele frequency attached by ClinVar (database versions not stated): gnomAD exomes below 0.00001.
gnomAD v4.1: 1 of 1,614,192 alleles (0.000062%); highest among the groups gnomAD compares: Non-Finnish European, 0.000085%; no homozygotes.

Submission:

Labcorp Genetics (formerly Invitae), Labcorp
Classification: Pathogenic. Last evaluated: 2023-10-11. Review status: criteria provided, single submitter. Criteria: Invitae Variant Classification Sherloc (09022015). Collection method: clinical testing. Allele origin: germline.
Comment: This sequence change creates a premature translational stop signal (p.Gln366*) in the CYP27B1 gene. It is expected to result in an absent or disrupted protein product. Loss-of-function variants in CYP27B1 are known to be pathogenic (PMID: 9837822, 17488797). This variant is not present in population databases (gnomAD no frequency). This variant has not been reported in the literature in individuals affected with CYP27B1-related conditions. For these reasons, this variant has been classified as Pathogenic.

Literature cited by the submitters: PubMed 9837822; PubMed 17488797.

NM_000785.4(CYP27B1):c.1096C>T (p.Gln366Ter)

Gene: CYP27B1 (cytochrome P450 family 27 subfamily B member 1; minus strand). Cytogenetic location: 12q14.1.
Variant type: single nucleotide variant.
Coding change: c.1096C>T on transcript NM_000785.4 (MANE Select); coding-DNA position 1096, C replaced by T.
Protein change: p.Gln366Ter; replaces glutamine 366 with a stop codon.
Molecular consequence: nonsense.
Genome position (GRCh38, 1-based): chr12:57,764,418, G>A on the plus strand (C>T on the coding strand, the complement: CYP27B1 is on the minus strand). VCF-style: chr12-57764418-G-A. GRCh37 (hg19) VCF-style: chr12-58158201-G-A.
Other names: short protein forms Q366*.
Identifiers: ClinVar variation 2767669 (VCV002767669.3), dbSNP rs2540915931, ClinGen allele CA385503398.